The following is an entry in ClinVar:

ClinVar aggregate classification (germline): not provided (0 of 4 stars; one submission).

Allele frequency attached by ClinVar (database versions not stated): gnomAD 0.10379 and 0.10125; TOPMed 0.10598; 1000 Genomes Project 0.13099; 1000 Genomes Project 30x 0.13398.

Submission:

ZMPSTE24 homepage - Leiden Muscular Dystrophy pages
No classification provided. Review status: no classification provided. Collection method: not provided. Allele origin: germline.
Comment: no known functional consequence

NM_005857.3(ZMPSTE24):c.-1269C>G

Gene: ZMPSTE24 (zinc metallopeptidase STE24; plus strand). Cytogenetic location: 1p34.2.
Variant type: single nucleotide variant.
Coding change: c.-1269C>G on transcript NM_005857.3; 1269 bases upstream of the start codon, C replaced by G.
Genome position (GRCh38, 1-based): chr1:40,257,003, C>G. VCF-style: chr1-40257003-C-G. GRCh37 (hg19) VCF-style: chr1-40722675-C-G.
Identifiers: ClinVar variation 140503 (VCV000140503.3), dbSNP rs7548758, ClinGen allele CA232710.